The following is an entry in ClinVar:

NM_004370.6(COL12A1):c.7274T>G (p.Val2425Gly)

Genes: COL12A1 (collagen type XII alpha 1 chain; minus strand), LOC126859712 (MED14-independent group 3 enhancer GRCh37_chr6:75828643-75829842; plus strand). Cytogenetic location: 6q13.
Variant type: single nucleotide variant.
Coding change: c.7274T>G on transcript NM_004370.6 (MANE Select); coding-DNA position 7274, T replaced by G.
Protein change: p.Val2425Gly; replaces valine 2425 with glycine.
Molecular consequence: missense variant.
Genome position (GRCh38, 1-based): chr6:75,119,123, A>C on the plus strand (T>G on the coding strand, the complement: COL12A1 is on the minus strand). VCF-style: chr6-75119123-A-C. GRCh37 (hg19) VCF-style: chr6-75828839-A-C.
Other names: c.7274T>G, p.Val2425Gly (NM_001424113.1); c.7253T>G, p.Val2418Gly (NM_001424114.1); c.7001T>G, p.Val2334Gly (NM_001424115.1); c.3782T>G, p.Val1261Gly (NM_001424116.1, NM_080645.3); short protein forms V2425G, V1261G, V2334G, V2418G.
Identifiers: ClinVar variation 4231734 (VCV004231734.2).

ClinVar aggregate classification (germline): Uncertain significance. Review status: criteria provided, multiple submitters, no conflicts (2 of 4 stars). 2 submissions from 2 submitters: Uncertain significance (2). Last evaluated 2025-06-17.

Conditions:
Inborn genetic diseases. Identifiers: MedGen C0950123, MeSH D030342.
Ullrich congenital muscular dystrophy 2 (UCMD2). Identifiers: Orphanet 75840, MedGen C4225314, MONDO:0014654, OMIM 616470.
Bethlem myopathy 2 (BTHLM2). Identifiers: Orphanet 536516, Orphanet 610, MedGen C4225313, MONDO:0034022, OMIM 616471.

gnomAD v4.1: 1 of 1,613,988 alleles (0.000062%); highest among the groups gnomAD compares: Non-Finnish European, 0.000085%; no homozygotes.

Submissions (2):

Ambry Genetics
Classification: Uncertain significance for Inborn genetic diseases. Last evaluated: 2025-06-17. Review status: criteria provided, single submitter. Criteria: Ambry Variant Classification Scheme 2023. Collection method: clinical testing. Allele origin: germline.

Labcorp Genetics (formerly Invitae), Labcorp
Classification: Uncertain significance for Bethlem myopathy 2; Ullrich congenital muscular dystrophy 2. Last evaluated: 2025-06-15. Review status: criteria provided, single submitter. Criteria: Invitae Variant Classification Sherloc (09022015). Collection method: clinical testing. Allele origin: germline.
Comment: This sequence change replaces valine, which is neutral and non-polar, with glycine, which is neutral and non-polar, at codon 2425 of the COL12A1 protein (p.Val2425Gly). This variant is not present in population databases (gnomAD no frequency). This variant has not been reported in the literature in individuals affected with COL12A1-related conditions. Invitae Evidence Modeling of protein sequence and biophysical properties (such as structural, functional, and spatial information, amino acid conservation, physicochemical variation, residue mobility, and thermodynamic stability) has been performed for this missense variant. However, the output from this modeling did not meet the statistical confidence thresholds required to predict the impact of this variant on COL12A1 protein function. In summary, the available evidence is currently insufficient to determine the role of this variant in disease. Therefore, it has been classified as a Variant of Uncertain Significance.